The following is an entry in ClinVar:

ClinVar aggregate classification (germline): Uncertain significance (1 of 4 stars; one submission).

Submission:

GeneDx
Classification: Uncertain significance. Last evaluated: 2023-11-19. Review status: criteria provided, single submitter. Criteria: GeneDx Variant Classification Process June 2021. Collection method: clinical testing. Allele origin: germline. Affected: yes.
Comment: Stop codon loss and change to a Lysine codon, leading to protein extension; the new stop codon cannot be predicted; Not observed at significant frequency in large population cohorts (gnomAD); Has not been previously published as pathogenic or benign to our knowledge

NM_005321.3(H1-4):c.658_660del (p.Ter220del)

Gene: H1-4 (H1.4 linker histone, cluster member; plus strand). Cytogenetic location: 6p22.2.
Variant type: Deletion.
Coding change: c.658_660del on transcript NM_005321.3 (MANE Select); coding-DNA positions 658 to 660, 3 bases deleted (TAG; older notation c.658_660delTAG).
Protein change: p.Ter220del.
Molecular consequence: stop lost.
Genome position (GRCh38, 1-based): chr6:26,157,048-26,157,050, TAG deleted; deleting any 3 consecutive bases within chr6:26,157,046-26,157,050 gives the same sequence; the c. name uses the placement nearest the transcript's 3' end. VCF-style (leftmost placement, unchanged base first): chr6-26157045-AAGT-A. GRCh37 (hg19) VCF-style: chr6-26157273-AAGT-A.
Other names: short protein forms :220del.
Identifiers: ClinVar variation 3364416 (VCV003364416.1).